The following is an entry in ClinVar:

ClinVar aggregate classification (germline): Uncertain significance (1 of 4 stars; one submission).

Conditions:
Amyotrophic lateral sclerosis type 15. Also called: AMYOTROPHIC LATERAL SCLEROSIS 15 WITH FRONTOTEMPORAL DEMENTIA. Identifiers: Orphanet 803, MedGen C3275459, MONDO:0010459, OMIM 300857.

Submission:

Labcorp Genetics (formerly Invitae), Labcorp
Classification: Uncertain significance for Amyotrophic lateral sclerosis type 15. Last evaluated: 2025-10-29. Review status: criteria provided, single submitter. Criteria: Invitae Variant Classification Sherloc (09022015). Collection method: clinical testing. Allele origin: germline.
Comment: This sequence change replaces phenylalanine, which is neutral and non-polar, with serine, which is neutral and polar, at codon 433 of the UBQLN2 protein (p.Phe433Ser). This variant is not present in population databases (gnomAD no frequency). This variant has not been reported in the literature in individuals affected with UBQLN2-related conditions. An algorithm developed to predict the effect of missense changes on protein structure and function (PolyPhen-2) suggests that this variant is likely to be disruptive. In summary, the available evidence is currently insufficient to determine the role of this variant in disease. Therefore, it has been classified as a Variant of Uncertain Significance.

NM_013444.4(UBQLN2):c.1298T>C (p.Phe433Ser)

Gene: UBQLN2 (ubiquilin 2; plus strand). Cytogenetic location: Xp11.21.
Variant type: single nucleotide variant.
Coding change: c.1298T>C on transcript NM_013444.4 (MANE Select); coding-DNA position 1298, T replaced by C.
Protein change: p.Phe433Ser; replaces phenylalanine 433 with serine.
Molecular consequence: missense variant.
Genome position (GRCh38, 1-based): chrX:56,565,171, T>C. VCF-style: chrX-56565171-T-C. GRCh37 (hg19) VCF-style: chrX-56591604-T-C.
Other names: short protein forms F433S.
Identifiers: ClinVar variation 4730227 (VCV004730227.1).
Genomic context (GRCh38, chrX:56,565,171, plus strand): 5'-GCCCGCTGTTTACTGCAAATCCTCAGCTGCAGGAGCAGATGCGGCCACAGCTCCCAGCCT[T>C]CCTGCAGCAGATGCAGAATCCAGACACACTATCAGCCATGTCAAACCCAAGAGCAATGCA-3'
Protein context (NP_038472.2, residues 423-443): QEQMRPQLPA[Phe433Ser]LQQMQNPDTL